The following is an entry in ClinVar:

NM_004667.6(HERC2):c.726C>T (p.Asp242=)

Gene: HERC2 (HECT and RLD domain containing E3 ubiquitin protein ligase 2; minus strand). Cytogenetic location: 15q13.1.
Variant type: single nucleotide variant.
Coding change: c.726C>T on transcript NM_004667.6 (MANE Select); coding-DNA position 726, C replaced by T.
Protein change: p.Asp242=; no amino-acid change (aspartic acid 242 retained).
Molecular consequence: synonymous variant.
Genome position (GRCh38, 1-based): chr15:28,274,365, G>A on the plus strand (C>T on the coding strand, the complement: HERC2 is on the minus strand). VCF-style: chr15-28274365-G-A. GRCh37 (hg19) VCF-style: chr15-28519511-G-A.
Identifiers: ClinVar variation 769874 (VCV000769874.6), dbSNP rs16950975, ClinGen allele CA7443596.

ClinVar aggregate classification (germline): Benign. Review status: criteria provided, multiple submitters, no conflicts (2 of 4 stars). 3 submissions from 3 submitters: Benign (2). 1 of the submissions does not count toward it. Last evaluated 2019-12-31.

Conditions:
HERC2-related disorder. Also called: HERC2-related condition.

Allele frequency attached by ClinVar (database versions not stated): gnomAD exomes 0.00490; ExAC 0.00618; gnomAD 0.01886; TOPMed 0.02019; ESP Exome Variant Server 0.02307; 1000 Genomes Project 0.02416; 1000 Genomes Project 30x 0.02623.
gnomAD v4.1: 5,529 of 1,614,154 alleles (0.34%); highest among the groups gnomAD compares: African/African-American, 6.5%; 176 homozygotes.

Submissions (3):

Labcorp Genetics (formerly Invitae), Labcorp
Classification: Benign. Last evaluated: 2019-12-31. Review status: criteria provided, single submitter. Criteria: Invitae Variant Classification Sherloc (09022015). Collection method: clinical testing. Allele origin: germline.

Breakthrough Genomics
Classification: Benign. Review status: criteria provided, single submitter. Criteria: ACMG Guidelines, 2015. Collection method: not provided. Allele origin: germline. Inheritance: Autosomal recessive inheritance. Affected: yes.

PreventionGenetics, part of Exact Sciences
Classification: Benign for HERC2-related condition. Last evaluated: 2024-07-30. Review status: no assertion criteria provided. Collection method: clinical testing. Allele origin: germline. Not counted in ClinVar's aggregate classification.
Comment: This variant is classified as benign based on ACMG/AMP sequence variant interpretation guidelines (Richards et al. 2015 PMID: 25741868, with internal and published modifications).